The following is an entry in ClinVar:

ClinVar aggregate classification (germline): Uncertain significance (1 of 4 stars; one submission).

Conditions:
Dilated cardiomyopathy 1W (CMD1W). Identifiers: Orphanet 154, MedGen C1969639, MONDO:0012667, OMIM 611407.

Submission:

Labcorp Genetics (formerly Invitae), Labcorp
Classification: Uncertain significance for Dilated cardiomyopathy 1W. Last evaluated: 2025-08-25. Review status: criteria provided, single submitter. Criteria: Invitae Variant Classification Sherloc (09022015). Collection method: clinical testing. Allele origin: germline.
Comment: This sequence change replaces cysteine, which is neutral and slightly polar, with arginine, which is basic and polar, at codon 138 of the VCL protein (p.Cys138Arg). This variant is not present in population databases (gnomAD no frequency). This variant has not been reported in the literature in individuals affected with VCL-related conditions. An algorithm developed to predict the effect of missense changes on protein structure and function (PolyPhen-2) suggests that this variant is likely to be disruptive. In summary, the available evidence is currently insufficient to determine the role of this variant in disease. Therefore, it has been classified as a Variant of Uncertain Significance.

NM_014000.3(VCL):c.412T>C (p.Cys138Arg)

Gene: VCL (vinculin; plus strand). Cytogenetic location: 10q22.2.
Variant type: single nucleotide variant.
Coding change: c.412T>C on transcript NM_014000.3 (MANE Select); coding-DNA position 412, T replaced by C.
Protein change: p.Cys138Arg; replaces cysteine 138 with arginine.
Molecular consequence: missense variant.
Genome position (GRCh38, 1-based): chr10:74,070,996, T>C. VCF-style: chr10-74070996-T-C. GRCh37 (hg19) VCF-style: chr10-75830754-T-C.
Other names: c.412T>C, p.Cys138Arg (NM_003373.4); short protein forms C138R.
Identifiers: ClinVar variation 4726007 (VCV004726007.1).